The following is an entry in ClinVar:

ClinVar aggregate classification (germline): Likely benign (1 of 4 stars; one submission).

gnomAD v4.1: 72 of 1,614,222 alleles (0.0045%); highest among the groups gnomAD compares: Middle Eastern, 0.066%; no homozygotes.

Submission:

CeGaT Center for Human Genetics Tuebingen
Classification: Likely benign. Last evaluated: 2026-08-01. Review status: criteria provided, single submitter. Criteria: CeGaT Center For Human Genetics Tuebingen Variant Classification Criteria Version 2. Collection method: clinical testing. Allele origin: germline. Affected: yes. Observed: 1 variant allele.
Comment: DACT1: BP4, BP7

NM_001079520.2(DACT1):c.711T>C (p.His237=)

Gene: DACT1 (dishevelled binding antagonist of beta catenin 1; plus strand). Cytogenetic location: 14q23.1.
Variant type: single nucleotide variant.
Coding change: c.711T>C on transcript NM_001079520.2 (MANE Select); coding-DNA position 711, T replaced by C.
Protein change: p.His237=; no amino-acid change (histidine 237 retained).
Molecular consequence: synonymous variant. On other transcripts: non-coding transcript variant (5).
Genome position (GRCh38, 1-based): chr14:58,645,445, T>C. VCF-style: chr14-58645445-T-C. GRCh37 (hg19) VCF-style: chr14-59112163-T-C.
Other names: c.822T>C, p.His274= (NM_016651.6).
Identifiers: ClinVar variation 5039230 (VCV005039230.1).
Genomic context (GRCh38, chr14:58,645,445, plus strand): 5'-CCAGTGTGATCTGGTGTCTAAAAACGGGAATGATGTATATCGCTATCCCAGTCCACTTCA[T>C]GCTGTGGCTGTGCAGAGCCCAATGTTTCTCCTTTGTCTGACGGGCAACCCTCTGAGGGAA-3'
Protein context (NP_001072988.1, residues 227-247): NDVYRYPSPL[His237=]AVAVQSPMFL